The following is an entry in ClinVar:

NM_018474.6(KIZ):c.533A>G (p.Lys178Arg)

Gene: KIZ (kizuna centrosomal protein; plus strand). Cytogenetic location: 20p11.23.
Variant type: single nucleotide variant.
Coding change: c.533A>G on transcript NM_018474.6 (MANE Select); coding-DNA position 533, A replaced by G.
Protein change: p.Lys178Arg; replaces lysine 178 with arginine.
Molecular consequence: missense variant.
Genome position (GRCh38, 1-based): chr20:21,161,998, A>G. VCF-style: chr20-21161998-A-G. GRCh37 (hg19) VCF-style: chr20-21142639-A-G.
Other names: c.224A>G, p.Lys75Arg (NM_001163022.3, NM_001352435.2); c.134A>G, p.Lys45Arg (NM_001163023.3); c.386A>G, p.Lys129Arg (NM_001276389.2); c.533A>G, p.Lys178Arg (NM_001352434.2); c.191A>G, p.Lys64Arg (NM_001352436.2); short protein forms K129R, K178R, K64R, K45R, K75R.
Identifiers: ClinVar variation 836311 (VCV000836311.8), dbSNP rs373383807, ClinGen allele CA9784666.

ClinVar aggregate classification (germline): Uncertain significance. Review status: criteria provided, multiple submitters, no conflicts (2 of 4 stars). 3 submissions from 3 submitters: Uncertain significance (3). Last evaluated 2024-09-12.

Allele frequency attached by ClinVar (database versions not stated): ExAC 0.00004; gnomAD exomes 0.00005; TOPMed 0.00005; gnomAD 0.00006; ESP Exome Variant Server 0.00008.
gnomAD v4.1: 142 of 1,613,862 alleles (0.0088%); highest among the groups gnomAD compares: Non-Finnish European, 0.012%; no homozygotes.

Submissions (3):

Blueprint Genetics
Classification: Uncertain significance. Last evaluated: 2024-09-12. Review status: criteria provided, single submitter. Criteria: ACMG Guidelines, 2015. Collection method: clinical testing. Allele origin: germline.

Labcorp Genetics (formerly Invitae), Labcorp
Classification: Uncertain significance. Last evaluated: 2024-02-24. Review status: criteria provided, single submitter. Criteria: Invitae Variant Classification Sherloc (09022015). Collection method: clinical testing. Allele origin: germline.
Comment: This sequence change replaces lysine, which is basic and polar, with arginine, which is basic and polar, at codon 178 of the KIZ protein (p.Lys178Arg). This variant is present in population databases (rs373383807, gnomAD 0.009%). This variant has not been reported in the literature in individuals affected with KIZ-related conditions. ClinVar contains an entry for this variant (Variation ID: 836311). Experimental studies and prediction algorithms are not available or were not evaluated, and the functional significance of this variant is currently unknown. In summary, the available evidence is currently insufficient to determine the role of this variant in disease. Therefore, it has been classified as a Variant of Uncertain Significance.

Ambry Genetics
Classification: Uncertain significance. Last evaluated: 2021-08-10. Review status: criteria provided, single submitter. Criteria: Ambry Variant Classification Scheme 2023. Collection method: clinical testing. Allele origin: germline.